The following is an entry in ClinVar:

ClinVar aggregate classification (germline): Uncertain significance (1 of 4 stars; one submission).

Submission:

Labcorp Genetics (formerly Invitae), Labcorp
Classification: Uncertain significance. Last evaluated: 2025-01-27. Review status: criteria provided, single submitter. Criteria: Invitae Variant Classification Sherloc (09022015). Collection method: clinical testing. Allele origin: germline.
Comment: This sequence change replaces aspartic acid, which is acidic and polar, with glycine, which is neutral and non-polar, at codon 414 of the GP6 protein (p.Asp414Gly). This variant is not present in population databases (gnomAD no frequency). This variant has not been reported in the literature in individuals affected with GP6-related conditions. ClinVar contains an entry for this variant (Variation ID: 1968301). An algorithm developed to predict the effect of missense changes on protein structure and function (PolyPhen-2) suggests that this variant is likely to be disruptive. In summary, the available evidence is currently insufficient to determine the role of this variant in disease. Therefore, it has been classified as a Variant of Uncertain Significance.

NM_016363.5(GP6):c.*217A>G

Gene: GP6 (glycoprotein VI platelet; minus strand). Cytogenetic location: 19q13.42.
Variant type: single nucleotide variant.
Coding change: c.*217A>G on transcript NM_016363.5 (MANE Select); 217 bases downstream of the stop codon, A replaced by G.
Molecular consequence: 3 prime UTR variant. On other transcripts: missense variant (1).
Genome position (GRCh38, 1-based): chr19:55,014,704, T>C on the plus strand (A>G on the coding strand, the complement: GP6 is on the minus strand). VCF-style: chr19-55014704-T-C. GRCh37 (hg19) VCF-style: chr19-55526072-T-C.
Other names: c.1241A>G, p.Asp414Gly (NM_001083899.2); c.*217A>G (NM_001256017.2); short protein forms D414G.
Identifiers: ClinVar variation 1968301 (VCV001968301.5), dbSNP rs1568586954, ClinGen allele CA407474073.